The following is an entry in ClinVar:

ClinVar aggregate classification (germline): Uncertain significance (1 of 4 stars; one submission).

Conditions:
Familial hemophagocytic lymphohistiocytosis 3 (FHL3). Also called: UNC13D-Related Familial Hemophagocytic Lymphohistiocytosis (UNC13D-fHLH). Identifiers: Orphanet 540, MedGen C1837174, MONDO:0012146, OMIM 608898.

Submission:

Labcorp Genetics (formerly Invitae), Labcorp
Classification: Uncertain significance for Familial hemophagocytic lymphohistiocytosis 3. Last evaluated: 2022-02-14. Review status: criteria provided, single submitter. Criteria: Invitae Variant Classification Sherloc (09022015). Collection method: clinical testing. Allele origin: germline.
Comment: In summary, the available evidence is currently insufficient to determine the role of this variant in disease. Therefore, it has been classified as a Variant of Uncertain Significance. This sequence change replaces alanine, which is neutral and non-polar, with proline, which is neutral and non-polar, at codon 934 of the UNC13D protein (p.Ala934Pro). This variant is present in population databases (no rsID available, gnomAD 0.003%). This variant has not been reported in the literature in individuals affected with UNC13D-related conditions. Algorithms developed to predict the effect of missense changes on protein structure and function are either unavailable or do not agree on the potential impact of this missense change (SIFT: "Not Available"; PolyPhen-2: "Probably Damaging"; Align-GVGD: "Not Available").

NM_199242.3(UNC13D):c.2800G>C (p.Ala934Pro)

Genes: UNC13D (unc-13 homolog D; minus strand), LOC112533672 (Sharpr-MPRA regulatory region 1193; plus strand). Cytogenetic location: 17q25.1.
Variant type: single nucleotide variant.
Coding change: c.2800G>C on transcript NM_199242.3 (MANE Select); coding-DNA position 2800, G replaced by C.
Protein change: p.Ala934Pro; replaces alanine 934 with proline.
Molecular consequence: missense variant.
Genome position (GRCh38, 1-based): chr17:75,830,392, C>G on the plus strand (G>C on the coding strand, the complement: UNC13D is on the minus strand). VCF-style: chr17-75830392-C-G. GRCh37 (hg19) VCF-style: chr17-73826473-C-G.
Other names: short protein forms A934P.
Identifiers: ClinVar variation 1479366 (VCV001479366.6), dbSNP rs534473771, ClinGen allele CA401079441.
Genomic context (GRCh38, chr17:75,830,392, plus strand): 5'-GGAGAGTGGCCAAAGGCAGCCTCCACTCACCATTGGAGTCCAGGGGCAGCAGGCTGGAGG[C>G]GCTGAGCAGCTCCACACGCAGCTTCTGCTCAGAGGCGCGGTAGGAGGCCTTGACTGTCAC-3'
Protein context (NP_954712.1, residues 924-944): EQKLRVELLS[Ala934Pro]SSLLPLDSNG